The following is an entry in ClinVar:

ClinVar aggregate classification (germline): Likely benign (1 of 4 stars; one submission).

Conditions:
Long QT syndrome (LQTS). Identifiers: MedGen C0023976, MeSH D008133, MONDO:0002442. Disease mechanism: loss of function. Inheritance: Various modes of inheritance.

Submission:

All of Us Research Program, National Institutes of Health
Classification: Likely benign for Long QT syndrome. Last evaluated: 2024-04-16. Review status: criteria provided, single submitter. Criteria: ACMG Guidelines, 2015. Collection method: clinical testing. Allele origin: germline. Inheritance: Autosomal dominant inheritance. Observed: 1 variant allele, 1 heterozygote.
Comment: This study involves interpretation of variants in research participants for the purpose of population health screening. Participant phenotype was not available at the time of variant classification. Additional details can be found in publication PMID: 35346344, PMCID: PMC8962531

NM_000238.4(KCNH2):c.1254C>T (p.Val418=)

Gene: KCNH2 (potassium voltage-gated channel subfamily H member 2; minus strand). Cytogenetic location: 7q36.1.
Variant type: single nucleotide variant.
Coding change: c.1254C>T on transcript NM_000238.4 (MANE Select); coding-DNA position 1254, C replaced by T.
Protein change: p.Val418=; no amino-acid change (valine 418 retained).
Molecular consequence: synonymous variant. On other transcripts: non-coding transcript variant (2).
Genome position (GRCh38, 1-based): chr7:150,952,728, G>A on the plus strand (C>T on the coding strand, the complement: KCNH2 is on the minus strand). VCF-style: chr7-150952728-G-A. GRCh37 (hg19) VCF-style: chr7-150649816-G-A.
Other names: c.234C>T, p.Val78= (NM_001204798.2, NM_172057.3); c.966C>T, p.Val322= (NM_001406753.1, NM_001406756.1); c.1077C>T, p.Val359= (NM_001406755.1); c.954C>T, p.Val318= (NM_001406757.1); c.1254C>T, p.Val418= (NM_172056.3).
Identifiers: ClinVar variation 3386904 (VCV003386904.1).